The following is an entry in ClinVar:

NM_004035.7(ACOX1):c.1433A>G (p.Asn478Ser)

Gene: ACOX1 (acyl-CoA oxidase 1; minus strand). Cytogenetic location: 17q25.1.
Variant type: single nucleotide variant.
Coding change: c.1433A>G on transcript NM_004035.7 (MANE Select); coding-DNA position 1433, A replaced by G.
Protein change: p.Asn478Ser; replaces asparagine 478 with serine.
Molecular consequence: missense variant.
Genome position (GRCh38, 1-based): chr17:75,949,763, T>C on the plus strand (A>G on the coding strand, the complement: ACOX1 is on the minus strand). VCF-style: chr17-75949763-T-C. GRCh37 (hg19) VCF-style: chr17-73945844-T-C.
Other names: c.1319A>G, p.Asn440Ser (NM_001185039.2); c.1433A>G, p.Asn478Ser (NM_007292.6); short protein forms N440S, N478S.
Identifiers: ClinVar variation 2853019 (VCV002853019.3), dbSNP rs2546075120, ClinGen allele CA401061002.
Genomic context (GRCh38, chr17:75,949,763, plus strand): 5'-TGAGGGAGAGCTCACCTGGCTGCACGGAGTTTATATGCTTCGGTTAGGCTTTCGGGGCTG[T>C]TGATATCCACCATGGTTGGCCAGACTGCTACCTGCTGTGGCTGGATGCGCTGACTGGGCA-3'
Protein context (NP_004026.2, residues 468-488): VAVWPTMVDI[Asn478Ser]SPESLTEAYK

ClinVar aggregate classification (germline): Uncertain significance (1 of 4 stars; one submission).

Conditions:
Acyl-CoA oxidase deficiency. Also called: Pseudoneonatal adrenoleukodystrophy; Peroxisomal acyl-CoA oxidase deficiency; STRAIGHT-CHAIN ACYL-CoA OXIDASE DEFICIENCY. Identifiers: Orphanet 2971, MedGen C1849678, MONDO:0009919, OMIM 264470. Disease mechanism: loss of function.

Submission:

Labcorp Genetics (formerly Invitae), Labcorp
Classification: Uncertain significance for Acyl-CoA oxidase deficiency. Last evaluated: 2023-10-29. Review status: criteria provided, single submitter. Criteria: Invitae Variant Classification Sherloc (09022015). Collection method: clinical testing. Allele origin: germline.
Comment: This sequence change replaces asparagine, which is neutral and polar, with serine, which is neutral and polar, at codon 478 of the ACOX1 protein (p.Asn478Ser). This variant is not present in population databases (gnomAD no frequency). This variant has not been reported in the literature in individuals affected with ACOX1-related conditions. Advanced modeling of protein sequence and biophysical properties (such as structural, functional, and spatial information, amino acid conservation, physicochemical variation, residue mobility, and thermodynamic stability) performed at Invitae indicates that this missense variant is not expected to disrupt ACOX1 protein function with a negative predictive value of 80%. In summary, the available evidence is currently insufficient to determine the role of this variant in disease. Therefore, it has been classified as a Variant of Uncertain Significance.